The following is an entry in ClinVar:

ClinVar aggregate classification (germline): Uncertain significance. Review status: criteria provided, multiple submitters, no conflicts (2 of 4 stars). 4 submissions from 4 submitters: Uncertain significance (2). 2 of the submissions do not count toward it. Last evaluated 2024-09-02.

Conditions:
Primary ciliary dyskinesia. Also called: Ciliary dyskinesia. Identifiers: Orphanet 244, MedGen C0008780, MONDO:0016575, HP:0012265.
Primary ciliary dyskinesia 9. Also called: CILIARY DYSKINESIA, PRIMARY, 9, WITH OR WITHOUT SITUS INVERSUS. Identifiers: Orphanet 244, MedGen C2676235, MONDO:0012906, OMIM 612444.

Allele frequency attached by ClinVar (database versions not stated): 1000 Genomes Project 30x 0.00016; 1000 Genomes Project 0.00020.
gnomAD v4.1: 74 of 1,613,690 alleles (0.0046%); highest among the groups gnomAD compares: Non-Finnish European, 0.0054%; no homozygotes.

Submissions (4):

Ambry Genetics
Classification: Uncertain significance for Primary ciliary dyskinesia. Last evaluated: 2024-09-02. Review status: criteria provided, single submitter. Criteria: Ambry Variant Classification Scheme 2023. Collection method: clinical testing. Allele origin: germline.

Labcorp Genetics (formerly Invitae), Labcorp
Classification: Uncertain significance for Primary ciliary dyskinesia. Last evaluated: 2022-06-27. Review status: criteria provided, single submitter. Criteria: Invitae Variant Classification Sherloc (09022015). Collection method: clinical testing. Allele origin: germline.
Comment: This sequence change replaces aspartic acid, which is acidic and polar, with asparagine, which is neutral and polar, at codon 534 of the DNAI2 protein (p.Asp534Asn). This variant is present in population databases (rs538543314, gnomAD 0.007%). This variant has not been reported in the literature in individuals affected with DNAI2-related conditions. ClinVar contains an entry for this variant (Variation ID: 241451). Algorithms developed to predict the effect of missense changes on protein structure and function (SIFT, PolyPhen-2, Align-GVGD) all suggest that this variant is likely to be tolerated. In summary, the available evidence is currently insufficient to determine the role of this variant in disease. Therefore, it has been classified as a Variant of Uncertain Significance.

Natera, Inc.
Classification: Uncertain significance for Primary ciliary dyskinesia. Last evaluated: 2020-01-17. Review status: no assertion criteria provided. Collection method: clinical testing. Allele origin: germline. Not counted in ClinVar's aggregate classification.

Counsyl
Classification: Uncertain significance for Primary ciliary dyskinesia 9. Last evaluated: 2017-08-18. Review status: no assertion criteria provided. Collection method: clinical testing. Allele origin: unknown. Not counted in ClinVar's aggregate classification.

NM_023036.6(DNAI2):c.1600G>A (p.Asp534Asn)

Gene: DNAI2 (dynein axonemal intermediate chain 2; plus strand). Cytogenetic location: 17q25.1.
Variant type: single nucleotide variant.
Coding change: c.1600G>A on transcript NM_023036.6 (MANE Select); coding-DNA position 1600, G replaced by A.
Protein change: p.Asp534Asn; replaces aspartic acid 534 with asparagine.
Molecular consequence: missense variant.
Genome position (GRCh38, 1-based): chr17:74,312,108, G>A. VCF-style: chr17-74312108-G-A. GRCh37 (hg19) VCF-style: chr17-72308247-G-A.
Other names: c.1564G>A, p.Asp522Asn (NM_001172810.3); c.1600G>A, p.Asp534Asn (NM_001353167.2); short protein forms D534N, D522N.
Identifiers: ClinVar variation 241451 (VCV000241451.6), dbSNP rs538543314, ClinGen allele CA8745840.
Genomic context (GRCh38, chr17:74,312,108, plus strand): 5'-CACCGGGAGATGCGGCTGAAGGAGAAGGGTAAGGCGGAGGGCAGGGATGAGGAGCAGACC[G>A]ATGAGGAGCTGGCCGTAGACCTGGAGGCGCTGGTCAGCAAGGCCGAGGAGGAGTTCTTCG-3'
Protein context (NP_075462.3, residues 524-544): KAEGRDEEQT[Asp534Asn]EELAVDLEAL